The following is an entry in ClinVar:

ClinVar aggregate classification (germline): Conflicting classifications of pathogenicity. Review status: criteria provided, conflicting classifications (1 of 4 stars). 10 submissions from 10 submitters: Uncertain significance (6); Likely benign (2). 2 of the submissions do not count toward it. Last evaluated 2026-03-19.

Conditions:
ELN-related disorder.
Supravalvar aortic stenosis (SVAS). Also called: Supravalvar aortic stenosis, Eisenberg type. Identifiers: Orphanet 3193, MedGen C0003499, MONDO:0008504, OMIM 185500, HP:0004381.
Cutis laxa, autosomal dominant 1 (ADCL1). Also called: ELN-Related Cutis Laxa. Identifiers: Orphanet 90348, MedGen C3276539, MONDO:0007411, OMIM 123700. Disease mechanism: Dominant Negative.
Williams syndrome (WBS). Also called: WILLIAMS-BEUREN SYNDROME; CHROMOSOME 7q11.23 DELETION SYNDROME, 1.5- TO 1.8-MB. Identifiers: Orphanet 904, MedGen C0175702, MONDO:0008678, OMIM 194050. Disease mechanism: loss of function.

Allele frequency attached by ClinVar (database versions not stated): gnomAD exomes 0.00014 and 0.00037; ExAC 0.00017; gnomAD 0.00032 and 0.00034; TOPMed 0.00034.
gnomAD v4.1: 546 of 1,535,254 alleles (0.036%); highest among the groups gnomAD compares: Non-Finnish European, 0.046%; no homozygotes.

Submissions (10):

GeneDx
Classification: Uncertain significance. Last evaluated: 2026-03-19. Review status: criteria provided, single submitter. Criteria: GeneDx Variant Classification Process June 2021. Collection method: clinical testing. Allele origin: germline. Affected: yes.
Comment: In silico analysis suggests that this missense variant does not alter protein structure/function; Has not been previously published as pathogenic or benign to our knowledge; Reported using an alternate transcript of the gene

Labcorp Genetics (formerly Invitae), Labcorp
Classification: Uncertain significance for Supravalvar aortic stenosis. Last evaluated: 2026-01-06. Review status: criteria provided, single submitter. Criteria: Invitae Variant Classification Sherloc (09022015). Collection method: clinical testing. Allele origin: germline.
Comment: This sequence change replaces glycine, which is neutral and non-polar, with serine, which is neutral and polar, at codon 473 of the ELN protein (p.Gly473Ser). This variant is present in population databases (rs781963901, gnomAD 0.03%). This variant has not been reported in the literature in individuals affected with ELN-related conditions. ClinVar contains an entry for this variant (Variation ID: 585051). Invitae Evidence Modeling of protein sequence and biophysical properties (such as structural, functional, and spatial information, amino acid conservation, physicochemical variation, residue mobility, and thermodynamic stability) indicates that this missense variant is not expected to disrupt ELN protein function with a negative predictive value of 80%. In summary, the available evidence is currently insufficient to determine the role of this variant in disease. Therefore, it has been classified as a Variant of Uncertain Significance.

PreventionGenetics, part of Exact Sciences
Classification: Likely benign for ELN-related condition. Last evaluated: 2025-08-06. Review status: criteria provided, single submitter. Criteria: ACMG Guidelines, 2015. Collection method: clinical testing. Allele origin: germline.
Comment: This variant is classified as likely benign based on ACMG/AMP sequence variant interpretation guidelines (Richards et al. 2015 PMID: 25741868, with internal and published modifications).

Blueprint Genetics
Classification: Likely benign. Last evaluated: 2024-09-05. Review status: criteria provided, single submitter. Criteria: ACMG Guidelines, 2015. Collection method: clinical testing. Allele origin: germline.

Fulgent Genetics
Classification: Uncertain significance for Cutis laxa, autosomal dominant 1; Supravalvar aortic stenosis; Williams syndrome. Last evaluated: 2021-12-30. Review status: criteria provided, single submitter. Criteria: ACMG Guidelines, 2015. Collection method: clinical testing. Allele origin: unknown.

Centre of Medical Genetics, University Hospital Muenster
Classification: Uncertain significance. Last evaluated: 2020-09-23. Review status: criteria provided, single submitter. Criteria: ACMG Guidelines, 2015. Collection method: clinical testing. Allele origin: unknown. Affected: yes. Observed: 1 variant allele, 1 heterozygote.
Comment: ACMG categories: PM2,BP1

CeGaT Center for Human Genetics Tuebingen
Classification: Uncertain significance. Last evaluated: 2018-11-01. Review status: criteria provided, single submitter. Criteria: CeGaT Center For Human Genetics Tuebingen Variant Classification Criteria Version 2. Collection method: clinical testing. Allele origin: germline. Affected: yes. Observed: 1 variant allele.

Eurofins Ntd Llc (ga)
Classification: Uncertain significance. Last evaluated: 2018-08-29. Review status: criteria provided, single submitter. Criteria: EGL ClinVar v180209 classification definitions. Collection method: clinical testing. Allele origin: germline. Observed: 1 variant allele, 1 heterozygote.

Joint Genome Diagnostic Labs from Nijmegen and Maastricht, Radboudumc and MUMC+
Classification: Likely benign. Review status: no assertion criteria provided. Collection method: clinical testing. Allele origin: germline. Affected: yes. Study: VKGL Data-share Consensus. Not counted in ClinVar's aggregate classification.

Laboratory of Diagnostic Genome Analysis, Leiden University Medical Center (LUMC)
Classification: Likely benign. Review status: no assertion criteria provided. Collection method: clinical testing. Allele origin: germline. Affected: yes. Study: VKGL Data-share Consensus. Not counted in ClinVar's aggregate classification.

NM_000501.4(ELN):c.1358-199G>A

Gene: ELN (elastin; plus strand). Cytogenetic location: 7q11.23.
Variant type: single nucleotide variant.
Coding change: c.1358-199G>A on transcript NM_000501.4 (MANE Select); 199 bases into the intron before coding-DNA position 1358, G replaced by A.
Molecular consequence: intron variant. On other transcripts: missense variant (1).
Genome position (GRCh38, 1-based): chr7:74,057,441, G>A. VCF-style: chr7-74057441-G-A. GRCh37 (hg19) VCF-style: chr7-73471771-G-A.
Other names: c.1417G>A, p.Gly473Ser (NM_001278939.2); c.1373-199G>A (NM_001081754.3); c.1372+728G>A (NM_001081753.3); c.1358-199G>A (NM_001278915.2, NM_001278912.2); c.1357+728G>A (NM_001081755.3); c.1315+728G>A (NM_001278916.2); c.1171+728G>A (NM_001278913.2); c.1342+728G>A (NM_001278914.2); and 3 more; short protein forms G473S.
Identifiers: ClinVar variation 585051 (VCV000585051.64), dbSNP rs781963901, ClinGen allele CA4292990.
Genomic context (GRCh38, chr7:74,057,441, plus strand): 5'-GGTGCTGCAGGAGCAGGAGTGCTGGGTGGGCTAGTGCCAGGTGCCCCAGGCGCAGTCCCA[G>A]GTGTGCCGGGCACGGGAGGAGTGCCAGGTGAGCTGTGTCTCCAGCCCAGAGATGGGTTTG-3'